The following is an entry in ClinVar:

NM_001197104.2(KMT2A):c.1404C>G (p.His468Gln)

Gene: KMT2A (lysine methyltransferase 2A; plus strand). Cytogenetic location: 11q23.3.
Variant type: single nucleotide variant.
Coding change: c.1404C>G on transcript NM_001197104.2 (MANE Select); coding-DNA position 1404, C replaced by G.
Protein change: p.His468Gln; replaces histidine 468 with glutamine.
Molecular consequence: missense variant.
Genome position (GRCh38, 1-based): chr11:118,472,563, C>G. VCF-style: chr11-118472563-C-G. GRCh37 (hg19) VCF-style: chr11-118343278-C-G.
Other names: c.1404C>G, p.His468Gln (NM_005933.4); c.1404C>G (NM_001197104.1); short protein forms H468Q.
Identifiers: ClinVar variation 1035219 (VCV001035219.9), dbSNP rs908307710, ClinGen allele CA229521289.

ClinVar aggregate classification (germline): Conflicting classifications of pathogenicity. Review status: criteria provided, conflicting classifications (1 of 4 stars). 2 submissions from 2 submitters: Uncertain significance (1); Likely benign (1). Last evaluated 2026-02-02.

Conditions:
KMT2A-related disorder. Also called: KMT2A-related condition.

Allele frequency attached by ClinVar (database versions not stated): gnomAD exomes below 0.00001; gnomAD 0.00001; TOPMed 0.00001.
gnomAD v4.1: 3 of 1,612,370 alleles (0.00019%); highest among the groups gnomAD compares: Admixed American, 0.005%; no homozygotes.

Submissions (2):

PreventionGenetics, part of Exact Sciences
Classification: Likely benign for KMT2A-related condition. Last evaluated: 2026-02-02. Review status: criteria provided, single submitter. Criteria: ACMG Guidelines, 2015. Collection method: clinical testing. Allele origin: germline.
Comment: This variant is classified as likely benign based on ACMG/AMP sequence variant interpretation guidelines (Richards et al. 2015 PMID: 25741868, with internal and published modifications).

Labcorp Genetics (formerly Invitae), Labcorp
Classification: Uncertain significance. Last evaluated: 2025-07-30. Review status: criteria provided, single submitter. Criteria: Invitae Variant Classification Sherloc (09022015). Collection method: clinical testing. Allele origin: germline.
Comment: This sequence change replaces histidine, which is basic and polar, with glutamine, which is neutral and polar, at codon 468 of the KMT2A protein (p.His468Gln). This variant is not present in population databases (gnomAD no frequency). This variant has not been reported in the literature in individuals affected with KMT2A-related conditions. ClinVar contains an entry for this variant (Variation ID: 1035219). Invitae Evidence Modeling of protein sequence and biophysical properties (such as structural, functional, and spatial information, amino acid conservation, physicochemical variation, residue mobility, and thermodynamic stability) indicates that this missense variant is not expected to disrupt KMT2A protein function with a negative predictive value of 95%. In summary, the available evidence is currently insufficient to determine the role of this variant in disease. Therefore, it has been classified as a Variant of Uncertain Significance.